The following is an entry in ClinVar:

NM_032119.4(ADGRV1):c.14965C>T (p.Gln4989Ter)

Gene: ADGRV1 (adhesion G protein-coupled receptor V1; plus strand). Cytogenetic location: 5q14.3.
Variant type: single nucleotide variant.
Coding change: c.14965C>T on transcript NM_032119.4 (MANE Select); coding-DNA position 14965, C replaced by T.
Protein change: p.Gln4989Ter; replaces glutamine 4989 with a stop codon.
Molecular consequence: nonsense. On other transcripts: non-coding transcript variant (1).
Genome position (GRCh38, 1-based): chr5:90,807,730, C>T. VCF-style: chr5-90807730-C-T. GRCh37 (hg19) VCF-style: chr5-90103547-C-T.
Other names: short protein forms Q4989*.
Identifiers: ClinVar variation 3249662 (VCV003249662.2).

ClinVar aggregate classification (germline): Pathogenic. Review status: criteria provided, multiple submitters, no conflicts (2 of 4 stars). 2 submissions from 2 submitters: Pathogenic (2). Last evaluated 2025-08-02.

Conditions:
Retinal dystrophy. Also called: Inherited retinal dystrophy. Identifiers: Orphanet 71862, MedGen C0854723, MeSH D058499, MONDO:0019118, HP:0000556.

gnomAD v4.1: 4 of 1,553,264 alleles (0.00026%); highest among the groups gnomAD compares: African/African-American, 0.0014%; no homozygotes.

Submissions (2):

Labcorp Genetics (formerly Invitae), Labcorp
Classification: Pathogenic. Last evaluated: 2025-08-02. Review status: criteria provided, single submitter. Criteria: Invitae Variant Classification Sherloc (09022015). Collection method: clinical testing. Allele origin: germline.
Comment: This sequence change creates a premature translational stop signal (p.Gln4989*) in the ADGRV1 gene. It is expected to result in an absent or disrupted protein product. Loss-of-function variants in ADGRV1 are known to be pathogenic (PMID: 19357117, 22135276, 22147658, 26226137, 30718709, 31047384, 32467589). This variant is present in population databases (rs751136034, gnomAD 0.007%). This premature translational stop signal has been observed in individual(s) with deafness (PMID: 23804846). ClinVar contains an entry for this variant (Variation ID: 3249662). For these reasons, this variant has been classified as Pathogenic.

Institute of Human Genetics, Univ. Regensburg, Univ. Regensburg
Classification: Pathogenic for Retinal dystrophy. Last evaluated: 2023-01-01. Review status: criteria provided, single submitter. Criteria: ACMG Guidelines, 2015. Collection method: clinical testing. Allele origin: germline. Affected: yes.

Literature cited by the submitters: PubMed 19357117 (cited by Labcorp Genetics (formerly Invitae), Labcorp); PubMed 22135276 (cited by Labcorp Genetics (formerly Invitae), Labcorp); PubMed 22147658 (cited by Labcorp Genetics (formerly Invitae), Labcorp); PubMed 26226137 (cited by Labcorp Genetics (formerly Invitae), Labcorp); PubMed 30718709 (cited by Labcorp Genetics (formerly Invitae), Labcorp); PubMed 31047384 (cited by Labcorp Genetics (formerly Invitae), Labcorp); PubMed 32467589 (cited by Labcorp Genetics (formerly Invitae), Labcorp); PubMed 23804846 (cited by Labcorp Genetics (formerly Invitae), Labcorp and Institute of Human Genetics, Univ. Regensburg, Univ. Regensburg); PubMed 3196484 (cited by Institute of Human Genetics, Univ. Regensburg, Univ. Regensburg).